The following is an entry in ClinVar:

ClinVar aggregate classification (germline): Uncertain significance (1 of 4 stars; one submission).

gnomAD v4.1: 6 of 1,598,138 alleles (0.00038%); highest among the groups gnomAD compares: East Asian, 0.0022%; no homozygotes.

Submission:

Labcorp Genetics (formerly Invitae), Labcorp
Classification: Uncertain significance. Last evaluated: 2022-05-09. Review status: criteria provided, single submitter. Criteria: Invitae Variant Classification Sherloc (09022015). Collection method: clinical testing. Allele origin: germline.
Comment: This sequence change replaces proline, which is neutral and non-polar, with leucine, which is neutral and non-polar, at codon 13 of the KCNN2 protein (p.Pro13Leu). This variant is present in population databases (no rsID available, gnomAD 0.01%). This variant has not been reported in the literature in individuals affected with KCNN2-related conditions. Algorithms developed to predict the effect of missense changes on protein structure and function are either unavailable or do not agree on the potential impact of this missense change (SIFT: "Tolerated"; PolyPhen-2: "Probably Damaging"; Align-GVGD: "Class C0"). In summary, the available evidence is currently insufficient to determine the role of this variant in disease. Therefore, it has been classified as a Variant of Uncertain Significance.

NM_021614.4(KCNN2):c.674C>T (p.Pro225Leu)

Gene: KCNN2 (potassium calcium-activated channel subfamily N member 2; plus strand). Cytogenetic location: 5q22.3.
Variant type: single nucleotide variant.
Coding change: c.674C>T on transcript NM_021614.4 (MANE Select); coding-DNA position 674, C replaced by T.
Protein change: p.Pro225Leu; replaces proline 225 with leucine.
Molecular consequence: missense variant. On other transcripts: non-coding transcript variant (1).
Genome position (GRCh38, 1-based): chr5:114,362,813, C>T. VCF-style: chr5-114362813-C-T. GRCh37 (hg19) VCF-style: chr5-113698510-C-T.
Other names: c.872C>T, p.Pro291Leu (NM_001372233.1); short protein forms P291L, P225L.
Identifiers: ClinVar variation 1978725 (VCV001978725.1), dbSNP rs1211833036, ClinGen allele CA360703093.